The following is an entry in ClinVar:

ClinVar aggregate classification (germline): Uncertain significance (1 of 4 stars; one submission).

Conditions:
Combined immunodeficiency due to LRBA deficiency. Also called: Common variable immunodeficiency 8, with autoimmunity. Identifiers: Orphanet 445018, MedGen C3553512, MONDO:0013863, OMIM 614700.

Submission:

Labcorp Genetics (formerly Invitae), Labcorp
Classification: Uncertain significance for Combined immunodeficiency due to LRBA deficiency. Last evaluated: 2022-07-26. Review status: criteria provided, single submitter. Criteria: Invitae Variant Classification Sherloc (09022015). Collection method: clinical testing. Allele origin: germline.
Comment: Algorithms developed to predict the effect of missense changes on protein structure and function (SIFT, PolyPhen-2, Align-GVGD) all suggest that this variant is likely to be tolerated. This sequence change replaces histidine, which is basic and polar, with glutamine, which is neutral and polar, at codon 1618 of the LRBA protein (p.His1618Gln). This variant is not present in population databases (gnomAD no frequency). This variant has not been reported in the literature in individuals affected with LRBA-related conditions. ClinVar contains an entry for this variant (Variation ID: 1402310). In summary, the available evidence is currently insufficient to determine the role of this variant in disease. Therefore, it has been classified as a Variant of Uncertain Significance.

NM_001364905.1(LRBA):c.4854T>A (p.His1618Gln)

Gene: LRBA (LPS responsive beige-like anchor protein; minus strand). Cytogenetic location: 4q31.3.
Variant type: single nucleotide variant.
Coding change: c.4854T>A on transcript NM_001364905.1 (MANE Select); coding-DNA position 4854, T replaced by A.
Protein change: p.His1618Gln; replaces histidine 1618 with glutamine.
Molecular consequence: missense variant.
Genome position (GRCh38, 1-based): chr4:150,828,497, A>T on the plus strand (T>A on the coding strand, the complement: LRBA is on the minus strand). VCF-style: chr4-150828497-A-T. GRCh37 (hg19) VCF-style: chr4-151749649-A-T.
Other names: c.4854T>A, p.His1618Gln (NM_001199282.3, NM_001367550.1, NM_006726.5); short protein forms H1618Q.
Identifiers: ClinVar variation 1402310 (VCV001402310.6), dbSNP rs756216304, ClinGen allele CA358444326.